The following is an entry in ClinVar:

ClinVar aggregate classification (germline): Pathogenic/Likely pathogenic. Review status: criteria provided, multiple submitters, no conflicts (2 of 4 stars). 5 submissions from 5 submitters: Pathogenic (2); Likely pathogenic (1). 2 of the submissions do not count toward it. Last evaluated 2025-01-15.

Conditions:
Hereditary cancer-predisposing syndrome. Also called: Tumor predisposition; Neoplastic Syndromes, Hereditary; Hereditary Cancer Syndrome; Hereditary neoplastic syndrome. Identifiers: Orphanet 140162, MedGen C0027672, MeSH D009386, MONDO:0015356.
Hereditary breast ovarian cancer syndrome. Also called: Hereditary breast and ovarian cancer syndrome (HBOC); Hereditary breast and ovarian cancer syndrome; Hereditary breast and ovarian cancer; Hereditary breast and/or ovarian cancer syndrome; Breast and ovarian cancer; BRCA1- and BRCA2-Associated Hereditary Breast and Ovarian Cancer. Identifiers: Orphanet 145, MedGen C0677776, MeSH D061325, MONDO:0003582. Disease mechanism: loss of function.
Breast-ovarian cancer, familial, susceptibility to, 1 (BROVCA1). Also called: OVARIAN CANCER, SUSCEPTIBILITY TO; BRCA1 Hereditary Breast and Ovarian Cancer. Identifiers: Orphanet 145, MedGen C2676676, MONDO:0011450, OMIM 604370. Disease mechanism: loss of function.

Allele frequency attached by ClinVar (database versions not stated): TOPMed below 0.00001; gnomAD 0.00001.
gnomAD v4.1: 2 of 1,613,576 alleles (0.00012%); highest among the groups gnomAD compares: African/African-American, 0.0027%; no homozygotes.

Submissions (6):

Ambry Genetics
Classification: Pathogenic for Hereditary cancer-predisposing syndrome. Last evaluated: 2025-01-15. Review status: criteria provided, single submitter. Criteria: Ambry Variant Classification Scheme 2023. Collection method: clinical testing. Allele origin: germline.
Comment: The p.T37R pathogenic mutation (also known as c.110C>G), located in coding exon 2 of the BRCA1 gene, results from a C to G substitution at nucleotide position 110. The threonine at codon 37 is replaced by arginine, an amino acid with similar properties. Several independent DNA repair assays showed loss of function in p.T37R mutants for BRCA1 ubiquitin ligase activity, heterochromatin-mediated silencing, homology directed recombination, and single strand annealing (Morris JR et al. Hum Mol Genet. 2006; 15:599-606; Ransburgh DJ et al. Cancer Res. 2010; 70:988-95; Towler WI et al. Hum Mutat. 2013; Ruffner H et al. Proc. Natl. Acad. Sci. U.S.A. 2001 Apr; 98(9):5134-9; Zhu Q et al. Nature 2011 Sep; 477(7363):179-84). Another functional study found that this nucleotide substitution is non-functional in a high-throughput, genome editing, haploid cell survival assay (Findlay GM et al. Nature. 2018 10;562:217-222). Based on internal structural analysis, this variant is anticipated to result in a significant decrease in structural stability (Brzovic PS et al. Nat. Struct. Biol. 2001 Oct;8(10):833-7; Ambry Internal Data). This variant is considered to be rare based on population cohorts in the Genome Aggregation Database (gnomAD). This amino acid position is highly conserved in available vertebrate species. In addition, this alteration is predicted to be deleterious by in silico analysis. Based on the supporting evidence, this alteration is interpreted as a disease-causing mutation.

Labcorp Genetics (formerly Invitae), Labcorp
Classification: Pathogenic for Hereditary breast ovarian cancer syndrome. Last evaluated: 2024-11-13. Review status: criteria provided, single submitter. Criteria: Invitae Variant Classification Sherloc (09022015). Collection method: clinical testing. Allele origin: germline.
Comment: This sequence change replaces threonine, which is neutral and polar, with arginine, which is basic and polar, at codon 37 of the BRCA1 protein (p.Thr37Arg). This variant is not present in population databases (gnomAD no frequency). This missense change has been observed in individual(s) with breast cancer (PMID: 15983021, 19491284). ClinVar contains an entry for this variant (Variation ID: 54132). Invitae Evidence Modeling incorporating data from in vitro experimental studies (PMID: 30209399) indicates that this missense variant is expected to disrupt BRCA1 function with a positive predictive value of 95%. Experimental studies have shown that this missense change affects BRCA1 function (PMID: 11320250, 19543972, 20103620, 30209399). This variant disrupts the p.Thr37 amino acid residue in BRCA1. Other variant(s) that disrupt this residue have been determined to be pathogenic (PMID: 19543972, 21990134, 25823446, 27272900, 28664506, 30209399). This suggests that this residue is clinically significant, and that variants that disrupt this residue are likely to be disease-causing. For these reasons, this variant has been classified as Pathogenic.

Sema4
Classification: Likely pathogenic for Hereditary cancer-predisposing syndrome. Last evaluated: 2021-11-15. Review status: criteria provided, single submitter. Criteria: Sema4 Curation Guidelines. Collection method: curation. Allele origin: germline.
Comment: The BRCA1 c.110C>G (p.T37R) variant has been reported in heterozygosity in at least one individual with early onset breast cancer (PMID: 15983021). Functional studies have shown that this variant leads to a loss of single-strand annealing repair, homologous recombination, BARD1 binding, and ionizing radition repair (PMID: 30209399, 23161852, 20103620, 11320250). This variant is not reported in the Genome Aggregation Database (PMID: 32461654). This variant has been reported in ClinVar (Variation ID: 54132). Based on the current evidence available, this variant is interpreted as likely pathogenic.

Sharing Clinical Reports Project (SCRP)
Classification: Uncertain significance for Breast-ovarian cancer, familial 1. Last evaluated: 2010-06-08. Review status: no assertion criteria provided. Collection method: clinical testing. Allele origin: germline. Not counted in ClinVar's aggregate classification.

Breast Cancer Information Core (BIC) (BRCA1)
Classification: Uncertain significance for Breast-ovarian cancer, familial 1. Review status: no assertion criteria provided. Collection method: clinical testing. Allele origin: germline. Affected: yes. Observed: 1 variant allele. Not counted in ClinVar's aggregate classification.

Brotman Baty Institute, University of Washington
No classification provided (evidence only). Condition: Breast-ovarian cancer, familial 1. Review status: no classification provided. Collection method: in vitro. Allele origin: not applicable. Functional consequence: functionally_abnormal. Not counted in ClinVar's aggregate classification.
ClinVar note: "not provided" was previously submitted as the classification for the variant. However, the classification appeared to be based only on an observation of functional data so it was converted to no classification on 2025-07-30.

Literature cited by the submitters: PubMed 11320250 (cited by 3 submitters); PubMed 15983021 (cited by 3 submitters); PubMed 16403807 (cited by Ambry Genetics); PubMed 20103620 (cited by 3 submitters); PubMed 21725363 (cited by Ambry Genetics); PubMed 21901007 (cited by Ambry Genetics); PubMed 23161852 (cited by Ambry Genetics and Sema4); PubMed 25823446 (cited by Ambry Genetics and Labcorp Genetics (formerly Invitae), Labcorp); PubMed 30209399 (cited by 3 submitters); PubMed 19491284 (cited by Labcorp Genetics (formerly Invitae), Labcorp); PubMed 19543972 (cited by Labcorp Genetics (formerly Invitae), Labcorp); PubMed 21990134 (cited by Labcorp Genetics (formerly Invitae), Labcorp); PubMed 27272900 (cited by Labcorp Genetics (formerly Invitae), Labcorp); PubMed 28664506 (cited by Labcorp Genetics (formerly Invitae), Labcorp).

NM_007294.4(BRCA1):c.110C>G (p.Thr37Arg)

Gene: BRCA1 (BRCA1 DNA repair associated; minus strand). Cytogenetic location: 17q21.31.
Variant type: single nucleotide variant.
Coding change: c.110C>G on transcript NM_007294.4 (MANE Select); coding-DNA position 110, C replaced by G.
Protein change: p.Thr37Arg; replaces threonine 37 with arginine.
Molecular consequence: missense variant. On other transcripts: non-coding transcript variant (1), intron variant (1).
Genome position (GRCh38, 1-based): chr17:43,115,750, G>C on the plus strand (C>G on the coding strand, the complement: BRCA1 is on the minus strand). VCF-style: chr17-43115750-G-C. GRCh37 (hg19) VCF-style: chr17-41267767-G-C.
Other names: c.110C>G, p.Thr37Arg (NM_001408411.1, NM_001408412.1, NM_001408413.1 and 192 more transcripts); c.-32C>G (NM_001408452.1, NM_001408453.1, NM_001408458.1 and 47 more transcripts); c.-148C>G (NM_001408455.1, NM_001408456.1, NM_001408468.1 and 13 more transcripts); c.-152C>G (NM_001408465.1, NM_001407695.1); c.-79C>G (NM_001408478.1, NM_001408479.1, NM_001408480.1 and 52 more transcripts); c.-195C>G (NM_001408492.1, NM_001407889.1, NM_001407900.1); c.-194C>G (NM_001408510.1, NM_001408512.1, NM_001407960.1 and 1 more transcripts); c.-8+8267C>G (NM_007297.4); and 2 more; short protein forms T37R.
Identifiers: ClinVar variation 54132 (VCV000054132.17), dbSNP rs80356880, ClinGen allele CA000743.